The following is an entry in ClinVar:

NM_004656.4(BAP1):c.1367A>G (p.Gln456Arg)

Gene: BAP1 (BRCA1 associated deubiquitinase 1; minus strand). Cytogenetic location: 3p21.1.
Variant type: single nucleotide variant.
Coding change: c.1367A>G on transcript NM_004656.4 (MANE Select); coding-DNA position 1367, A replaced by G.
Protein change: p.Gln456Arg; replaces glutamine 456 with arginine.
Molecular consequence: missense variant.
Genome position (GRCh38, 1-based): chr3:52,403,778, T>C on the plus strand (A>G on the coding strand, the complement: BAP1 is on the minus strand). VCF-style: chr3-52403778-T-C. GRCh37 (hg19) VCF-style: chr3-52437794-T-C.
Other names: c.1313A>G, p.Gln438Arg (NM_001410772.1); short protein forms Q456R, Q438R.
Identifiers: ClinVar variation 3705832 (VCV003705832.2).
Genomic context (GRCh38, chr3:52,403,778, plus strand): 5'-ACAGCCGGACTCCCAGCCCCGCTGCTAGTCTTGATGGACAGAGGAATTGAGAGGTCCTTC[T>C]GGGACTCTTTGAGCTTCTCAGCCAAGACGTTGATGGTGTTGGGCTGCAGCACTGACAGTT-3'
Protein context (NP_004647.1, residues 446-466): NVLAEKLKES[Gln456Arg]KDLSIPLSIK

ClinVar aggregate classification (germline): Uncertain significance (1 of 4 stars; one submission).

Conditions:
BAP1-related tumor predisposition syndrome (TPDS1). Also called: TUMOR PREDISPOSITION SYNDROME 1; BAP1 tumor predisposition syndrome; Tumor susceptibility linked to germline BAP1 mutations; COMMON Syndrome. Identifiers: Orphanet 289539, MedGen C3280492, MONDO:0013692, OMIM 614327.

Submission:

Labcorp Genetics (formerly Invitae), Labcorp
Classification: Uncertain significance for BAP1-related tumor predisposition syndrome. Last evaluated: 2024-04-02. Review status: criteria provided, single submitter. Criteria: Invitae Variant Classification Sherloc (09022015). Collection method: clinical testing. Allele origin: germline.
Comment: This sequence change replaces glutamine, which is neutral and polar, with arginine, which is basic and polar, at codon 456 of the BAP1 protein (p.Gln456Arg). This variant is not present in population databases (gnomAD no frequency). This variant has not been reported in the literature in individuals affected with BAP1-related conditions. Advanced modeling of protein sequence and biophysical properties (such as structural, functional, and spatial information, amino acid conservation, physicochemical variation, residue mobility, and thermodynamic stability) performed at Invitae indicates that this missense variant is expected to disrupt BAP1 protein function with a positive predictive value of 80%. In summary, the available evidence is currently insufficient to determine the role of this variant in disease. Therefore, it has been classified as a Variant of Uncertain Significance.